The following is an entry in ClinVar:

ClinVar aggregate classification (germline): Uncertain significance (1 of 4 stars; one submission).

Conditions:
Pityriasis rubra pilaris (PRP). Also called: Pityriasis rubra pilaris--familial type. Identifiers: Orphanet 2897, MedGen C0032027, MONDO:0100017, OMIM 173200, MONDO:0008251.
Psoriasis 2. Identifiers: MedGen C1864497, MONDO:0011269, OMIM 602723.

Submission:

Labcorp Genetics (formerly Invitae), Labcorp
Classification: Uncertain significance for Pityriasis rubra pilaris; Psoriasis 2. Last evaluated: 2022-04-06. Review status: criteria provided, single submitter. Criteria: Invitae Variant Classification Sherloc (09022015). Collection method: clinical testing. Allele origin: germline.
Comment: This variant has not been reported in the literature in individuals affected with CARD14-related conditions. This variant is not present in population databases (gnomAD no frequency). This sequence change replaces serine, which is neutral and polar, with asparagine, which is neutral and polar, at codon 378 of the CARD14 protein (p.Ser378Asn). Algorithms developed to predict the effect of missense changes on protein structure and function output the following: SIFT: "Tolerated"; PolyPhen-2: "Benign"; Align-GVGD: "Class C0". The asparagine amino acid residue is found in multiple mammalian species, which suggests that this missense change does not adversely affect protein function. In summary, the available evidence is currently insufficient to determine the role of this variant in disease. Therefore, it has been classified as a Variant of Uncertain Significance.

NM_001366385.1(CARD14):c.1133G>A (p.Ser378Asn)

Gene: CARD14 (caspase recruitment domain family member 14; plus strand). Cytogenetic location: 17q25.3.
Variant type: single nucleotide variant.
Coding change: c.1133G>A on transcript NM_001366385.1 (MANE Select); coding-DNA position 1133, G replaced by A.
Protein change: p.Ser378Asn; replaces serine 378 with asparagine.
Molecular consequence: missense variant. On other transcripts: non-coding transcript variant (1).
Genome position (GRCh38, 1-based): chr17:80,191,366, G>A. VCF-style: chr17-80191366-G-A. GRCh37 (hg19) VCF-style: chr17-78165165-G-A.
Other names: c.1133G>A, p.Ser378Asn (NM_001257970.1, NM_024110.4); c.422G>A, p.Ser141Asn (NM_052819.3); short protein forms S141N, S378N.
Identifiers: ClinVar variation 2122041 (VCV002122041.4), dbSNP rs2510642587, ClinGen allele CA401345967.
Genomic context (GRCh38, chr17:80,191,366, plus strand): 5'-CCCGTCGTGGCCCACAGGCGTACTCCGCGAGGGACAGTGCTCAGAGGGAGATTTCCCAGA[G>A]CCTGGTGGAGAAGGACTCCCTCCGCAGGCAGGTGTTCGAGCTGACGGACCAGGTCTGCGA-3'
Protein context (NP_001353314.1, residues 368-388): RDSAQREISQ[Ser378Asn]LVEKDSLRRQ